The following is an entry in ClinVar:

NM_001903.5(CTNNA1):c.1193A>T (p.Asn398Ile)

Gene: CTNNA1 (catenin alpha 1; plus strand). Cytogenetic location: 5q31.2.
Variant type: single nucleotide variant.
Coding change: c.1193A>T on transcript NM_001903.5 (MANE Select); coding-DNA position 1193, A replaced by T.
Protein change: p.Asn398Ile; replaces asparagine 398 with isoleucine.
Molecular consequence: missense variant. On other transcripts: 5 prime UTR variant (5), intron variant (2).
Genome position (GRCh38, 1-based): chr5:138,887,539, A>T. VCF-style: chr5-138887539-A-T. GRCh37 (hg19) VCF-style: chr5-138223228-A-T.
Other names: c.1193A>T, p.Asn398Ile (NM_001290307.3, NM_001323982.2, NM_001323983.1 and 3 more transcripts); c.884A>T, p.Asn295Ile (NM_001290309.3); c.824A>T, p.Asn275Ile (NM_001290310.3); c.83A>T, p.Asn28Ile (NM_001290312.1, NM_001323987.1, NM_001323988.1 and 18 more transcripts); c.-315A>T (NM_001324006.1, NM_001324007.1, NM_001324008.1 and 1 more transcripts); c.-190A>T (NM_001324013.1); c.-58+11942A>T (NM_001324012.1); c.-61+11942A>T (NM_001324010.1); short protein forms N275I, N398I, N28I, N295I.
Identifiers: ClinVar variation 2563264 (VCV002563264.5), dbSNP rs200549409, ClinGen allele CA361133043.

ClinVar aggregate classification (germline): Uncertain significance. Review status: criteria provided, multiple submitters, no conflicts (2 of 4 stars). 2 submissions from 2 submitters: Uncertain significance (2). Last evaluated 2023-06-02.

Conditions:
Hereditary cancer-predisposing syndrome. Also called: Neoplastic Syndromes, Hereditary; Hereditary Cancer Syndrome; Hereditary neoplastic syndrome; Tumor predisposition. Identifiers: Orphanet 140162, MedGen C0027672, MeSH D009386, MONDO:0015356.

Submissions (2):

Labcorp Genetics (formerly Invitae), Labcorp
Classification: Uncertain significance. Last evaluated: 2023-06-02. Review status: criteria provided, single submitter. Criteria: Invitae Variant Classification Sherloc (09022015). Collection method: clinical testing. Allele origin: germline.
Comment: Advanced modeling of protein sequence and biophysical properties (such as structural, functional, and spatial information, amino acid conservation, physicochemical variation, residue mobility, and thermodynamic stability) performed at Invitae indicates that this missense variant is not expected to disrupt CTNNA1 protein function. This variant has not been reported in the literature in individuals affected with CTNNA1-related conditions. This variant is not present in population databases (gnomAD no frequency). This sequence change replaces asparagine, which is neutral and polar, with isoleucine, which is neutral and non-polar, at codon 398 of the CTNNA1 protein (p.Asn398Ile). In summary, the available evidence is currently insufficient to determine the role of this variant in disease. Therefore, it has been classified as a Variant of Uncertain Significance.

Ambry Genetics
Classification: Uncertain significance for Hereditary cancer-predisposing syndrome. Last evaluated: 2023-03-15. Review status: criteria provided, single submitter. Criteria: Ambry Variant Classification Scheme 2023. Collection method: clinical testing. Allele origin: germline.
Comment: The p.N398I variant (also known as c.1193A>T), located in coding exon 8 of the CTNNA1 gene, results from an A to T substitution at nucleotide position 1193. The asparagine at codon 398 is replaced by isoleucine, an amino acid with dissimilar properties. This amino acid position is conserved. In addition, the in silico prediction for this alteration is inconclusive. Since supporting evidence is limited at this time, the clinical significance of this alteration remains unclear.